The following is an entry in ClinVar:

NM_000578.4(SLC11A1):c.1256G>A (p.Arg419Gln)

Gene: SLC11A1 (solute carrier family 11 member 1; plus strand). Cytogenetic location: 2q35.
Variant type: single nucleotide variant.
Coding change: c.1256G>A on transcript NM_000578.4 (MANE Select); coding-DNA position 1256, G replaced by A.
Protein change: p.Arg419Gln; replaces arginine 419 with glutamine.
Molecular consequence: missense variant.
Genome position (GRCh38, 1-based): chr2:218,393,072, G>A. VCF-style: chr2-218393072-G-A. GRCh37 (hg19) VCF-style: chr2-219257795-G-A.
Other names: NC_000002.11:g.219257795G>A; short protein forms R419Q.
Identifiers: ClinVar variation 3035789 (VCV003035789.3), dbSNP rs77624405, ClinGen allele CA2105287.

ClinVar aggregate classification (germline): Benign (0 of 4 stars; one submission).

Conditions:
SLC11A1-related disorder. Also called: SLC11A1-related condition.

Allele frequency attached by ClinVar (database versions not stated): ESP Exome Variant Server 0.00015; gnomAD 0.00111; TOPMed 0.00141; ExAC 0.00200; 1000 Genomes Project 30x 0.00500; 1000 Genomes Project 0.00559.
gnomAD v4.1: 1,111 of 1,597,538 alleles (0.07%); highest among the groups gnomAD compares: East Asian, 2%; 11 homozygotes.

Submissions (3):

PreventionGenetics, part of Exact Sciences
Classification: Benign for SLC11A1-related condition. Last evaluated: 2019-04-01. Review status: no assertion criteria provided. Collection method: clinical testing. Allele origin: germline.
Comment: This variant is classified as benign based on ACMG/AMP sequence variant interpretation guidelines (Richards et al. 2015 PMID: 25741868, with internal and published modifications).

Dr. Peter K. Rogan Lab, Western University
No classification provided (evidence only). Condition: Hepatocellular carcinoma. Review status: no classification provided. Collection method: in vitro. Allele origin: not applicable. Functional consequence: retained intron. Not counted in ClinVar's aggregate classification.

Dr. Peter K. Rogan Lab, Western University
No classification provided (evidence only). Condition: Gastric cancer. Review status: no classification provided. Collection method: in vitro. Allele origin: not applicable. Functional consequence: retained intron. Not counted in ClinVar's aggregate classification.